The following is an entry in ClinVar:

ClinVar aggregate classification (germline): Pathogenic/Likely pathogenic. Review status: criteria provided, multiple submitters, no conflicts (2 of 4 stars). 5 submissions from 5 submitters: Pathogenic (2); Likely pathogenic (3). Last evaluated 2025-05-28.

Conditions:
SDCCAG8-related disorder. Also called: SDCCAG8-related condition; SDCCAG8-Related Disorders.
Bardet-Biedl syndrome 16 (BBS16). Identifiers: Orphanet 110, MedGen C3889474, MONDO:0014444, OMIM 615993.
Senior-Loken syndrome 7 (SLSN7). Identifiers: Orphanet 3156, MedGen C3150877, MONDO:0013326, OMIM 613615.
Bardet-Biedl syndrome (BBS). Identifiers: Orphanet 110, MedGen C0752166, MONDO:0015229.

Allele frequency attached by ClinVar (database versions not stated): TOPMed below 0.00001.

Submissions (5):

PreventionGenetics, part of Exact Sciences
Classification: Likely pathogenic for SDCCAG8-related condition. Last evaluated: 2025-05-28. Review status: criteria provided, single submitter. Criteria: ACMG Guidelines, 2015. Collection method: clinical testing. Allele origin: germline.
Comment: The SDCCAG8 c.567G>A variant is predicted to result in premature protein termination (p.Trp189*). To our knowledge, this variant has not been reported in the literature or in a large population database, indicating this variant is rare. Nonsense variants in SDCCAG8 are expected to be pathogenic. This variant is interpreted as likely pathogenic.

Labcorp Genetics (formerly Invitae), Labcorp
Classification: Pathogenic for Bardet-Biedl syndrome 16; Senior-Loken syndrome 7. Last evaluated: 2024-10-30. Review status: criteria provided, single submitter. Criteria: Invitae Variant Classification Sherloc (09022015). Collection method: clinical testing. Allele origin: germline.
Comment: This sequence change creates a premature translational stop signal (p.Trp189*) in the SDCCAG8 gene. It is expected to result in an absent or disrupted protein product. Loss-of-function variants in SDCCAG8 are known to be pathogenic (PMID: 20835237, 22190896). This variant is not present in population databases (gnomAD no frequency). This variant has not been reported in the literature in individuals affected with SDCCAG8-related conditions. ClinVar contains an entry for this variant (Variation ID: 212141). Algorithms developed to predict the effect of sequence changes on RNA splicing suggest that this variant may create or strengthen a splice site. For these reasons, this variant has been classified as Pathogenic.

GeneDx
Classification: Likely pathogenic. Last evaluated: 2023-10-17. Review status: criteria provided, single submitter. Criteria: GeneDx Variant Classification Process June 2021. Collection method: clinical testing. Allele origin: germline. Affected: yes.
Comment: Has not been previously published as pathogenic or benign to our knowledge; Not observed at significant frequency in large population cohorts (gnomAD); Nonsense variant predicted to result in protein truncation or nonsense mediated decay in a gene for which loss of function is a known mechanism of disease

Women's Health and Genetics/Laboratory Corporation of America, LabCorp
Classification: Likely pathogenic for Bardet-Biedl syndrome. Last evaluated: 2021-09-21. Review status: criteria provided, single submitter. Criteria: LabCorp Variant Classification Summary - May 2015. Collection method: clinical testing. Allele origin: germline.
Comment: Variant summary: SDCCAG8 c.567G>A (p.Trp189X) results in a premature termination codon, predicted to cause a truncation of the encoded protein or absence of the protein due to nonsense mediated decay. Truncations downstream of this position have been reported in HGMD in association with Bardet-Biedl Syndrome. The variant was absent in 251464 control chromosomes. To our knowledge, no occurrence of c.567G>A in individuals affected with Bardet-Biedl Syndrome and no experimental evidence demonstrating its impact on protein function have been reported. One clinical diagnostic laboratory has submitted clinical-significance assessments for this variant to ClinVar after 2014 without evidence for independent evaluation. One laboratory classified the variant as pathogenic. Based on the evidence outlined above, the variant was classified as likely pathogenic.

Genetic Services Laboratory, University of Chicago
Classification: Pathogenic for Senior-Loken syndrome 7. Last evaluated: 2015-07-17. Review status: criteria provided, single submitter. Criteria: ACMG Guidelines, 2015. Collection method: clinical testing. Allele origin: germline. Affected: yes.

Literature cited by the submitters: PubMed 20835237 (cited by Labcorp Genetics (formerly Invitae), Labcorp); PubMed 22190896 (cited by Labcorp Genetics (formerly Invitae), Labcorp).

NM_006642.5(SDCCAG8):c.567G>A (p.Trp189Ter)

Gene: SDCCAG8 (SHH signaling and ciliogenesis regulator SDCCAG8; plus strand). Cytogenetic location: 1q43.
Variant type: single nucleotide variant.
Coding change: c.567G>A on transcript NM_006642.5 (MANE Select); coding-DNA position 567, G replaced by A.
Protein change: p.Trp189Ter; replaces tryptophan 189 with a stop codon.
Molecular consequence: nonsense. On other transcripts: 5 prime UTR variant (3).
Genome position (GRCh38, 1-based): chr1:243,293,111, G>A. VCF-style: chr1-243293111-G-A. GRCh37 (hg19) VCF-style: chr1-243456413-G-A.
Other names: c.-546G>A (NM_001350246.2); c.-434G>A (NM_001350247.2); c.567G>A, p.Trp189Ter (NM_001350248.2); c.273G>A, p.Trp91Ter (NM_001350249.2); c.-807G>A (NM_001350251.2); short protein forms W189*, W91*.
Identifiers: ClinVar variation 212141 (VCV000212141.14), dbSNP rs797045948, ClinGen allele CA207867.